The following is an entry in ClinVar:

NC_012920.1(MT-RNR1):m.1008A>G

Gene: MT-RNR1 (mitochondrially encoded 12S RNA; plus strand).
Variant type: single nucleotide variant.
Genome position: chrM-1008-A-G.
Identifiers: ClinVar variation 178871 (VCV000178871.4), dbSNP rs727504505, ClinGen allele CA183200.

ClinVar aggregate classification (germline): Likely benign (1 of 4 stars; one submission).

Submission:

Laboratory for Molecular Medicine, Mass General Brigham Personalized Medicine
Classification: Likely benign. Last evaluated: 2013-05-15. Review status: criteria provided, single submitter. Criteria: LMM Criteria. Collection method: clinical testing. Allele origin: germline. Observed: 1 variant allele.
Comment: 1008A>G variant in MTRNR1: This variant has been reported at a similar frequency in individuals with hearing loss (0.2%; 1/466) and in controls (0.3%; 1/400) s upporting a benign role (Konings 2008). In addition, it has been reported in thr ee other individuals who were screened for phylogenetic studies (Palanichamy 200 4, Behar 2008a, Behar 2008b, MITOMAP). In summar y, there is no data to support a disease-associated role and the population freq uency suggests that this variant is likely benign.

Literature cited by the submitters: PubMed 18790089; PubMed 18446216; PubMed 18439549; PubMed 15467980.